The following is an entry in ClinVar:

NM_030957.4(ADAMTS10):c.571G>C (p.Asp191His)

Gene: ADAMTS10 (ADAM metallopeptidase with thrombospondin type 1 motif 10; minus strand). Cytogenetic location: 19p13.2.
Variant type: single nucleotide variant.
Coding change: c.571G>C on transcript NM_030957.4 (MANE Select); coding-DNA position 571, G replaced by C.
Protein change: p.Asp191His; replaces aspartic acid 191 with histidine.
Molecular consequence: missense variant.
Genome position (GRCh38, 1-based): chr19:8,603,749, C>G on the plus strand (G>C on the coding strand, the complement: ADAMTS10 is on the minus strand). VCF-style: chr19-8603749-C-G. GRCh37 (hg19) VCF-style: chr19-8668633-C-G.
Other names: short protein forms D191H.
Identifiers: ClinVar variation 1523910 (VCV001523910.6), dbSNP rs1424741538, ClinGen allele CA403756953.

ClinVar aggregate classification (germline): Uncertain significance (1 of 4 stars; one submission).

Allele frequency attached by ClinVar (database versions not stated): gnomAD exomes below 0.00001; gnomAD 0.00001; TOPMed 0.00001.
gnomAD v4.1: 4 of 1,614,038 alleles (0.00025%); highest among the groups gnomAD compares: Non-Finnish European, 0.00025%; no homozygotes.

Submission:

Labcorp Genetics (formerly Invitae), Labcorp
Classification: Uncertain significance. Last evaluated: 2021-08-03. Review status: criteria provided, single submitter. Criteria: Invitae Variant Classification Sherloc (09022015). Collection method: clinical testing. Allele origin: germline.
Comment: In summary, the available evidence is currently insufficient to determine the role of this variant in disease. Therefore, it has been classified as a Variant of Uncertain Significance. Algorithms developed to predict the effect of missense changes on protein structure and function are either unavailable or do not agree on the potential impact of this missense change (SIFT: "Deleterious"; PolyPhen-2: "Probably Damaging"; Align-GVGD: "Class C0"). This variant has not been reported in the literature in individuals affected with ADAMTS10-related conditions. This variant is not present in population databases (ExAC no frequency). This sequence change replaces aspartic acid with histidine at codon 191 of the ADAMTS10 protein (p.Asp191His). The aspartic acid residue is highly conserved and there is a moderate physicochemical difference between aspartic acid and histidine.